The following is an entry in ClinVar:

ClinVar aggregate classification (germline): Uncertain significance. Review status: criteria provided, multiple submitters, no conflicts (2 of 4 stars). 2 submissions from 2 submitters: Uncertain significance (2). Last evaluated 2024-07-04.

Conditions:
Combined immunodeficiency due to LRBA deficiency. Also called: Common variable immunodeficiency 8, with autoimmunity. Identifiers: Orphanet 445018, MedGen C3553512, MONDO:0013863, OMIM 614700.

Allele frequency attached by ClinVar (database versions not stated): ExAC 0.00001; gnomAD 0.00001; TOPMed 0.00001; gnomAD exomes 0.00002.
gnomAD v4.1: 16 of 1,613,592 alleles (0.00099%); highest among the groups gnomAD compares: Non-Finnish European, 0.0014%; no homozygotes.

Submissions (2):

Blueprint Genetics
Classification: Uncertain significance. Last evaluated: 2024-07-04. Review status: criteria provided, single submitter. Criteria: ACMG Guidelines, 2015. Collection method: clinical testing. Allele origin: germline.

Labcorp Genetics (formerly Invitae), Labcorp
Classification: Uncertain significance for Combined immunodeficiency due to LRBA deficiency. Last evaluated: 2021-06-24. Review status: criteria provided, single submitter. Criteria: Invitae Variant Classification Sherloc (09022015). Collection method: clinical testing. Allele origin: germline.
Comment: In summary, the available evidence is currently insufficient to determine the role of this variant in disease. Therefore, it has been classified as a Variant of Uncertain Significance. Algorithms developed to predict the effect of missense changes on protein structure and function are either unavailable or do not agree on the potential impact of this missense change (SIFT: "Tolerated"; PolyPhen-2: "Possibly Damaging"; Align-GVGD: "Class C0"). This variant has not been reported in the literature in individuals with LRBA-related disease. This variant is present in population databases (rs772616092, ExAC 0.002%). This sequence change replaces leucine with serine at codon 2071 of the LRBA protein (p.Leu2071Ser). The leucine residue is weakly conserved and there is a large physicochemical difference between leucine and serine.

NM_001364905.1(LRBA):c.6179T>C (p.Leu2060Ser)

Gene: LRBA (LPS responsive beige-like anchor protein; minus strand). Cytogenetic location: 4q31.3.
Variant type: single nucleotide variant.
Coding change: c.6179T>C on transcript NM_001364905.1 (MANE Select); coding-DNA position 6179, T replaced by C.
Protein change: p.Leu2060Ser; replaces leucine 2060 with serine.
Molecular consequence: missense variant.
Genome position (GRCh38, 1-based): chr4:150,590,727, A>G on the plus strand (T>C on the coding strand, the complement: LRBA is on the minus strand). VCF-style: chr4-150590727-A-G. GRCh37 (hg19) VCF-style: chr4-151511879-A-G.
Other names: c.6179T>C, p.Leu2060Ser (NM_001199282.3, NM_001367550.1); c.6212T>C, p.Leu2071Ser (NM_006726.5); short protein forms L2060S, L2071S.
Identifiers: ClinVar variation 579932 (VCV000579932.8), dbSNP rs772616092, ClinGen allele CA3102196.